The following is an entry in ClinVar:

ClinVar aggregate classification (germline): Uncertain significance (1 of 4 stars; one submission).

Submission:

Ambry Genetics
Classification: Uncertain significance. Last evaluated: 2023-10-01. Review status: criteria provided, single submitter. Criteria: Ambry Variant Classification Scheme 2023. Collection method: clinical testing. Allele origin: germline.
Comment: The p.R2306I variant (also known as c.6917G>T), located in coding exon 24 of the POLQ gene, results from a G to T substitution at nucleotide position 6917. The arginine at codon 2306 is replaced by isoleucine, an amino acid with similar properties. This amino acid position is conserved. In addition, this alteration is predicted to be tolerated by in silico analysis. Since supporting evidence is limited at this time, the clinical significance of this alteration remains unclear.

NM_199420.4(POLQ):c.6917G>T (p.Arg2306Ile)

Gene: POLQ (DNA polymerase theta; minus strand). Cytogenetic location: 3q13.33.
Variant type: single nucleotide variant.
Coding change: c.6917G>T on transcript NM_199420.4 (MANE Select); coding-DNA position 6917, G replaced by T.
Protein change: p.Arg2306Ile; replaces arginine 2306 with isoleucine.
Molecular consequence: missense variant.
Genome position (GRCh38, 1-based): chr3:121,467,569, C>A on the plus strand (G>T on the coding strand, the complement: POLQ is on the minus strand). VCF-style: chr3-121467569-C-A. GRCh37 (hg19) VCF-style: chr3-121186416-C-A.
Other names: short protein forms R2306I.
Identifiers: ClinVar variation 3230125 (VCV003230125.1), dbSNP rs2546770111, ClinGen allele CA354110102.